The following is an entry in ClinVar:

ClinVar aggregate classification (germline): Uncertain significance. Review status: criteria provided, multiple submitters, no conflicts (2 of 4 stars). 2 submissions from 2 submitters: Uncertain significance (2). Last evaluated 2026-08-28.

Conditions:
SIAE-related disorder. Also called: SIAE-related condition.

Allele frequency attached by ClinVar (database versions not stated): ExAC 0.00001; gnomAD exomes 0.00001.
gnomAD v4.1: 3 of 1,614,168 alleles (0.00019%); highest among the groups gnomAD compares: Non-Finnish European, 0.00025%; no homozygotes.

Submissions (2):

PreventionGenetics, part of Exact Sciences
Classification: Uncertain significance for SIAE-related condition. Last evaluated: 2026-08-28. Review status: criteria provided, single submitter. Criteria: ACMG Guidelines, 2015. Collection method: clinical testing. Allele origin: germline.
Comment: The SIAE c.117G>C variant is predicted to result in the amino acid substitution p.Gln39His. To our knowledge, this variant has not been reported in the literature. This variant is reported in 0.0018% of alleles in individuals of European (Non-Finnish) descent in gnomAD. At this time, the clinical significance of this variant is uncertain due to the absence of conclusive functional and genetic evidence.

Labcorp Genetics (formerly Invitae), Labcorp
Classification: Uncertain significance. Last evaluated: 2025-12-08. Review status: criteria provided, single submitter. Criteria: Invitae Variant Classification Sherloc (09022015). Collection method: clinical testing. Allele origin: germline.
Comment: This sequence change replaces glutamine, which is neutral and polar, with histidine, which is basic and polar, at codon 39 of the SIAE protein (p.Gln39His). This variant is present in population databases (rs761398148, gnomAD 0.002%). This variant has not been reported in the literature in individuals affected with SIAE-related conditions. ClinVar contains an entry for this variant (Variation ID: 2882010). An algorithm developed to predict the effect of missense changes on protein structure and function (PolyPhen-2) suggests that this variant is likely to be disruptive. In summary, the available evidence is currently insufficient to determine the role of this variant in disease. Therefore, it has been classified as a Variant of Uncertain Significance.

NM_170601.5(SIAE):c.117G>C (p.Gln39His)

Gene: SIAE (sialic acid acetylesterase; minus strand). Cytogenetic location: 11q24.2.
Variant type: single nucleotide variant.
Coding change: c.117G>C on transcript NM_170601.5 (MANE Select); coding-DNA position 117, G replaced by C.
Protein change: p.Gln39His; replaces glutamine 39 with histidine.
Molecular consequence: missense variant.
Genome position (GRCh38, 1-based): chr11:124,669,472, C>G on the plus strand (G>C on the coding strand, the complement: SIAE is on the minus strand). VCF-style: chr11-124669472-C-G. GRCh37 (hg19) VCF-style: chr11-124539368-C-G.
Other names: c.12G>C, p.Gln4His (NM_001199922.2); c.117G>C (NM_170601.4); short protein forms Q4H, Q39H.
Identifiers: ClinVar variation 2882010 (VCV002882010.4), dbSNP rs761398148, ClinGen allele CA6341654.